The following is an entry in ClinVar:

ClinVar aggregate classification (germline): Pathogenic (1 of 4 stars; one submission).

Submission:

Labcorp Genetics (formerly Invitae), Labcorp
Classification: Pathogenic. Last evaluated: 2023-07-19. Review status: criteria provided, single submitter. Criteria: Invitae Variant Classification Sherloc (09022015). Collection method: clinical testing. Allele origin: unknown.
Comment: For these reasons, this variant has been classified as Pathogenic. This variant disrupts a region of the PAFAH1B1 protein in which other variant(s) (p.Asp358Asn) have been determined to be pathogenic (Invitae). This suggests that this is a clinically significant region of the protein, and that variants that disrupt it are likely to be disease-causing. A similar copy number variant has been observed in individual(s) with lissencephaly (PMID: 19667223). This variant is a gross deletion of the genomic region encompassing exon(s) 10-11 of the PAFAH1B1 gene, which includes the termination codon. This deletion extends beyond the assayed region for this gene and therefore may encompass additional genes. While this deletion is not anticipated to lead to nonsense mediated decay, it is expected to alter mRNA translation or result in a truncated protein product.

Literature cited by the submitters: PubMed 19667223.

NC_000017.10:g.(?_2583438)_(2585096_?)del

Gene: PAFAH1B1 (platelet activating factor acetylhydrolase 1b regulatory subunit 1; plus strand). Cytogenetic location: 17p13.3.
Variant type: Deletion.
Identifiers: ClinVar variation 3243119 (VCV003243119.1).